The following is an entry in ClinVar:

NM_021813.4(BACH2):c.506A>C (p.Glu169Ala)

Gene: BACH2 (BACH transcriptional regulator 2; minus strand). Cytogenetic location: 6q15.
Variant type: single nucleotide variant.
Coding change: c.506A>C on transcript NM_021813.4 (MANE Select); coding-DNA position 506, A replaced by C.
Protein change: p.Glu169Ala; replaces glutamic acid 169 with alanine.
Molecular consequence: missense variant.
Genome position (GRCh38, 1-based): chr6:89,951,600, T>G on the plus strand (A>C on the coding strand, the complement: BACH2 is on the minus strand). VCF-style: chr6-89951600-T-G. GRCh37 (hg19) VCF-style: chr6-90661319-T-G.
Other names: c.506A>C, p.Glu169Ala (NM_001170794.2); short protein forms E169A.
Identifiers: ClinVar variation 1358844 (VCV001358844.8), dbSNP rs2128357055, ClinGen allele CA365072866.

ClinVar aggregate classification (germline): Uncertain significance (1 of 4 stars; one submission).

Submission:

Labcorp Genetics (formerly Invitae), Labcorp
Classification: Uncertain significance. Last evaluated: 2025-04-22. Review status: criteria provided, single submitter. Criteria: Invitae Variant Classification Sherloc (09022015). Collection method: clinical testing. Allele origin: germline.
Comment: This sequence change replaces glutamic acid, which is acidic and polar, with alanine, which is neutral and non-polar, at codon 169 of the BACH2 protein (p.Glu169Ala). This variant is not present in population databases (gnomAD no frequency). This variant has not been reported in the literature in individuals affected with BACH2-related conditions. ClinVar contains an entry for this variant (Variation ID: 1358844). Invitae Evidence Modeling of protein sequence and biophysical properties (such as structural, functional, and spatial information, amino acid conservation, physicochemical variation, residue mobility, and thermodynamic stability) indicates that this missense variant is not expected to disrupt BACH2 protein function with a negative predictive value of 80%. In summary, the available evidence is currently insufficient to determine the role of this variant in disease. Therefore, it has been classified as a Variant of Uncertain Significance.